The following is an entry in ClinVar:

NM_003384.3(VRK1):c.526G>A (p.Gly176Arg)

Gene: VRK1 (VRK serine/threonine kinase 1; plus strand). Cytogenetic location: 14q32.2.
Variant type: single nucleotide variant.
Coding change: c.526G>A on transcript NM_003384.3 (MANE Select); coding-DNA position 526, G replaced by A.
Protein change: p.Gly176Arg; replaces glycine 176 with arginine.
Molecular consequence: missense variant.
Genome position (GRCh38, 1-based): chr14:96,853,116, G>A. VCF-style: chr14-96853116-G-A. GRCh37 (hg19) VCF-style: chr14-97319453-G-A.
Other names: short protein forms G176R.
Identifiers: ClinVar variation 449197 (VCV000449197.13), dbSNP rs888762581, ClinGen allele CA266077823.
Genomic context (GRCh38, chr14:96,853,116, plus strand): 5'-TGTATGATACTTTCATAGCTGGATATTCTGGAATATATTCACGAGCATGAGTATGTGCAT[G>A]GAGATATCAAGGCCTCAAATCTTCTTCTGAACTACAAGAATCCTGACCAGGTAGTTTTAT-3'
Protein context (NP_003375.1, residues 166-186): EYIHEHEYVH[Gly176Arg]DIKASNLLLN

ClinVar aggregate classification (germline): Uncertain significance. Review status: criteria provided, multiple submitters, no conflicts (2 of 4 stars). 4 submissions from 4 submitters: Uncertain significance (3). 1 of the submissions does not count toward it. Last evaluated 2026-02-01.

Conditions:
Congenital pontocerebellar hypoplasia type 1. Also called: Pontocerebellar hypoplasia type 1. Identifiers: Orphanet 2254, MedGen C5442006, MONDO:0016396.
Pontocerebellar hypoplasia type 1A (PCH1A). Also called: PONTOCEREBELLAR HYPOPLASIA WITH ANTERIOR HORN CELL DISEASE; PONTOCEREBELLAR HYPOPLASIA WITH INFANTILE SPINAL MUSCULAR ATROPHY. Identifiers: Orphanet 2254, Orphanet 88616, MedGen C1843504, MONDO:0011866, OMIM 607596.

Allele frequency attached by ClinVar (database versions not stated): TOPMed below 0.00001; gnomAD exomes 0.00001.
gnomAD v4.1: 14 of 1,613,852 alleles (0.00087%); highest among the groups gnomAD compares: Non-Finnish European, 0.0012%; no homozygotes.

Submissions (4):

CeGaT Center for Human Genetics Tuebingen
Classification: Uncertain significance. Last evaluated: 2026-02-01. Review status: criteria provided, single submitter. Criteria: CeGaT Center For Human Genetics Tuebingen Variant Classification Criteria Version 2. Collection method: clinical testing. Allele origin: germline. Affected: yes. Observed: 1 variant allele.
Comment: VRK1: PM2, PM3:Supporting

Labcorp Genetics (formerly Invitae), Labcorp
Classification: Uncertain significance for Pontocerebellar hypoplasia type 1A. Last evaluated: 2022-03-08. Review status: criteria provided, single submitter. Criteria: Invitae Variant Classification Sherloc (09022015). Collection method: clinical testing. Allele origin: germline.
Comment: This sequence change replaces glycine, which is neutral and non-polar, with arginine, which is basic and polar, at codon 176 of the VRK1 protein (p.Gly176Arg). This variant is not present in population databases (gnomAD no frequency). This variant has not been reported in the literature in individuals affected with VRK1-related conditions. ClinVar contains an entry for this variant (Variation ID: 449197). Algorithms developed to predict the effect of missense changes on protein structure and function are either unavailable or do not agree on the potential impact of this missense change (SIFT: "Deleterious"; PolyPhen-2: "Benign"; Align-GVGD: "Class C0"). In summary, the available evidence is currently insufficient to determine the role of this variant in disease. Therefore, it has been classified as a Variant of Uncertain Significance.

GeneDx
Classification: Uncertain significance. Last evaluated: 2015-04-08. Review status: criteria provided, single submitter. Criteria: GeneDx Variant Classification (06012015). Collection method: clinical testing. Allele origin: germline. Affected: yes.
Comment: A variant of unknown significance has been identified in the VRK1 gene. The G176R variant has not been published as a pathogenic variant, nor has it been reported as a benign polymorphism to our knowledge. It was not observed in approximately 6,500 individuals of European and African American ancestry in the NHLBI Exome Sequencing Project, indicating it is not a common benign variant in these populations. The G176R variant is a non-conservative amino acid substitution, which is likely to impact secondary protein structure as these residues differ in polarity, charge, size and/or other properties. This substitution occurs at a position that is conserved in mammals. However, missense variants in nearby residues have not been reported in the Human Gene Mutation Database in association with VRK1-related disorders (Stenson et al., 2014). In silico analysis is inconsistent in its predictions as to whether or not the variant is damaging to the protein structure/function. Therefore, based on the currently available information, it is unclear whether this variant is a pathogenic variant or a rare benign variant.

Natera, Inc.
Classification: Uncertain significance for Pontocerebellar hypoplasia type 1. Last evaluated: 2020-09-16. Review status: no assertion criteria provided. Collection method: clinical testing. Allele origin: germline. Not counted in ClinVar's aggregate classification.